The following is an entry in ClinVar:

NM_018136.5(ASPM):c.3912C>A (p.Ile1304=)

Gene: ASPM (assembly factor for spindle microtubules; minus strand). Cytogenetic location: 1q31.3.
Variant type: single nucleotide variant.
Coding change: c.3912C>A on transcript NM_018136.5 (MANE Select); coding-DNA position 3912, C replaced by A.
Protein change: p.Ile1304=; no amino-acid change (isoleucine 1304 retained).
Molecular consequence: synonymous variant.
Genome position (GRCh38, 1-based): chr1:197,117,942, G>T on the plus strand (C>A on the coding strand, the complement: ASPM is on the minus strand). VCF-style: chr1-197117942-G-T. GRCh37 (hg19) VCF-style: chr1-197087072-G-T.
Other names: c.3912C>A, p.Ile1304= (NM_001206846.2).
Identifiers: ClinVar variation 157814 (VCV000157814.21), dbSNP rs56912014, ClinGen allele CA171206.

ClinVar aggregate classification (germline): Benign. Review status: criteria provided, multiple submitters, no conflicts (2 of 4 stars). 7 submissions from 7 submitters: Benign (7). Last evaluated 2026-01-22.

Conditions:
Microcephaly 5, primary, autosomal recessive (MCPH5). Also called: ASPM Primary Microcephaly. Identifiers: Orphanet 2512, MedGen C1837501, MONDO:0012106, OMIM 608716.

Allele frequency attached by ClinVar (database versions not stated): 1000 Genomes Project 0.01158; 1000 Genomes Project 30x 0.01312; gnomAD exomes 0.00137 and 0.00358; ExAC 0.00440; gnomAD 0.01362 and 0.01464; TOPMed 0.01440; ESP Exome Variant Server 0.01455.
gnomAD v4.1: 4,197 of 1,613,374 alleles (0.26%); highest among the groups gnomAD compares: African/African-American, 4.6%; 88 homozygotes.

Submissions (7):

Labcorp Genetics (formerly Invitae), Labcorp
Classification: Benign. Last evaluated: 2026-01-22. Review status: criteria provided, single submitter. Criteria: Invitae Variant Classification Sherloc (09022015). Collection method: clinical testing. Allele origin: germline.

Genome-Nilou Lab
Classification: Benign for Microcephaly 5, primary, autosomal recessive. Last evaluated: 2023-04-11. Review status: criteria provided, single submitter. Criteria: ACMG Guidelines, 2015. Collection method: clinical testing. Allele origin: germline. Affected: no.

Athena Diagnostics
Classification: Benign. Last evaluated: 2019-07-08. Review status: criteria provided, single submitter. Criteria: Athena Diagnostics Criteria. Collection method: clinical testing. Allele origin: germline.

Illumina Laboratory Services, Illumina
Classification: Benign for Microcephaly 5, primary, autosomal recessive. Last evaluated: 2018-01-12. Review status: criteria provided, single submitter. Criteria: ICSL Variant Classification Criteria 13 December 2019. Collection method: clinical testing. Allele origin: germline.
Comment: This variant was observed in the ICSL laboratory as part of a predisposition screen in an ostensibly healthy population. It had not been previously curated by ICSL or reported in the Human Gene Mutation Database (HGMD: prior to June 1st, 2018), and was therefore a candidate for classification through an automated scoring system. Utilizing variant allele frequency, disease prevalence and penetrance estimates, and inheritance mode, an automated score was calculated to assess if this variant is too frequent to cause the disease. Based on the score and internal cut-off values, a variant classified as benign is not then subjected to further curation. The score for this variant resulted in a classification of benign for this disease.

GeneDx
Classification: Benign. Last evaluated: 2015-09-18. Review status: criteria provided, single submitter. Criteria: GeneDx Variant Classification (06012015). Collection method: clinical testing. Allele origin: germline. Affected: yes.
Comment: This variant is considered likely benign or benign based on one or more of the following criteria: it is a conservative change, it occurs at a poorly conserved position in the protein, it is predicted to be benign by multiple in silico algorithms, and/or has population frequency not consistent with disease.

Genetic Services Laboratory, University of Chicago
Classification: Benign. Last evaluated: 2013-02-08. Review status: criteria provided, single submitter. Criteria: ACMG Guidelines, 2007. Collection method: clinical testing. Allele origin: germline. Inheritance: Autosomal recessive inheritance.

Breakthrough Genomics
Classification: Benign. Review status: criteria provided, single submitter. Criteria: ACMG Guidelines, 2015. Collection method: not provided. Allele origin: germline. Inheritance: Autosomal recessive inheritance. Affected: yes.